The following is an entry in ClinVar:

NM_018979.4(WNK1):c.506C>G (p.Pro169Arg)

Gene: WNK1 (WNK lysine deficient protein kinase 1; plus strand). Cytogenetic location: 12p13.33.
Variant type: single nucleotide variant.
Coding change: c.506C>G on transcript NM_018979.4 (MANE Select); coding-DNA position 506, C replaced by G.
Protein change: p.Pro169Arg; replaces proline 169 with arginine.
Molecular consequence: missense variant.
Genome position (GRCh38, 1-based): chr12:754,071, C>G. VCF-style: chr12-754071-C-G. GRCh37 (hg19) VCF-style: chr12-863237-C-G.
Other names: c.506C>G, p.Pro169Arg (NM_014823.3, NM_213655.5, NM_001184985.2); short protein forms P169R.
Identifiers: ClinVar variation 1060794 (VCV001060794.9), dbSNP rs1268492593, ClinGen allele CA383306943.

ClinVar aggregate classification (germline): Uncertain significance (1 of 4 stars; one submission).

Conditions:
Neuropathy, hereditary sensory and autonomic, type 2A (HSAN2A). Also called: MORVAN DISEASE; NEUROPATHY, CONGENITAL SENSORY; NEUROPATHY, HEREDITARY SENSORY RADICULAR, AUTOSOMAL RECESSIVE; NEUROPATHY, HEREDITARY SENSORY, TYPE IIA; NEUROPATHY, PROGRESSIVE SENSORY, OF CHILDREN; WNK1-Related HSAN2 (HSAN2A). Identifiers: Orphanet 970, MedGen C2752089, MONDO:0024309, OMIM 201300.
Pseudohypoaldosteronism type 2C (PHA2C). Also called: Pseudohypoaldosteronism Type IIC. Identifiers: Orphanet 757, Orphanet 88940, MedGen C1840391, MONDO:0013778, OMIM 614492.

Allele frequency attached by ClinVar (database versions not stated): gnomAD exomes below 0.00001.
gnomAD v4.1: 7 of 1,606,952 alleles (0.00044%); highest among the groups gnomAD compares: East Asian, 0.0022%; no homozygotes.

Submission:

Labcorp Genetics (formerly Invitae), Labcorp
Classification: Uncertain significance for Neuropathy, hereditary sensory and autonomic, type 2A; Pseudohypoaldosteronism type 2C. Last evaluated: 2024-11-07. Review status: criteria provided, single submitter. Criteria: Invitae Variant Classification Sherloc (09022015). Collection method: clinical testing. Allele origin: germline.
Comment: This sequence change replaces proline, which is neutral and non-polar, with arginine, which is basic and polar, at codon 169 of the WNK1 protein (p.Pro169Arg). This variant is present in population databases (no rsID available, gnomAD 0.006%). This variant has not been reported in the literature in individuals affected with WNK1-related conditions. ClinVar contains an entry for this variant (Variation ID: 1060794). Invitae Evidence Modeling of protein sequence and biophysical properties (such as structural, functional, and spatial information, amino acid conservation, physicochemical variation, residue mobility, and thermodynamic stability) indicates that this missense variant is not expected to disrupt WNK1 protein function with a negative predictive value of 95%. In summary, the available evidence is currently insufficient to determine the role of this variant in disease. Therefore, it has been classified as a Variant of Uncertain Significance.